The following is an entry in ClinVar:

NM_000540.3(RYR1):c.9466G>A (p.Val3156Ile)

Gene: RYR1 (ryanodine receptor 1; plus strand). Cytogenetic location: 19q13.2.
Variant type: single nucleotide variant.
Coding change: c.9466G>A on transcript NM_000540.3 (MANE Select); coding-DNA position 9466, G replaced by A.
Protein change: p.Val3156Ile; replaces valine 3156 with isoleucine.
Molecular consequence: missense variant.
Genome position (GRCh38, 1-based): chr19:38,512,477, G>A. VCF-style: chr19-38512477-G-A. GRCh37 (hg19) VCF-style: chr19-39003117-G-A.
Other names: c.9466G>A, p.Val3156Ile (NM_001042723.2); short protein forms V3156I.
Identifiers: ClinVar variation 647844 (VCV000647844.11), dbSNP rs150230127, ClinGen allele CA073610.

ClinVar aggregate classification (germline): Uncertain significance. Review status: criteria provided, multiple submitters, no conflicts (2 of 4 stars). 5 submissions from 5 submitters: Uncertain significance (5). Last evaluated 2026-08-06.

Conditions:
Congenital multicore myopathy with external ophthalmoplegia (CMYO1B). Also called: MULTIMINICORE DISEASE WITH EXTERNAL OPHTHALMOPLEGIA; Minicore myopathy with external ophthalmoplegia; MULTICORE MYOPATHY; Minicore myopathy; Congenital myopathy 1B, autosomal recessive. Identifiers: Orphanet 598, Orphanet 98905, MedGen C1850674, MONDO:0009712, OMIM 255320, HP:0003789.
Congenital myopathy with fiber type disproportion. Also called: Congenital fiber-type disproportion myopathy; Congenital fiber-type disproportion. Identifiers: Orphanet 2020, MedGen C0546264, MONDO:0009711. Inheritance: all.
Central core myopathy (CMYO1A). Also called: Central core disease; Myopathy, central fibrillar; CONGENITAL MYOPATHY 1A, AUTOSOMAL DOMINANT, WITH SUSCEPTIBILITY TO MALIGNANT HYPERTHERMIA. Identifiers: Orphanet 597, MedGen C5830701, MONDO:0007294, OMIM 117000.
Malignant hyperthermia, susceptibility to, 1 (MHS1). Also called: Anesthesia related hyperthermia; Malignant hyperpyrexia; Fulminating hyperpyrexia; Pharmacogenic myopathy; RYR1-Related Malignant Hyperthermia Susceptibility; Malignant hyperthermia suceptibility 1. Identifiers: Orphanet 423, MedGen C2930980, MONDO:0007783, OMIM 145600.
King Denborough syndrome (KDS). Identifiers: MedGen C1840365, MONDO:0020485, OMIM 619542.
RYR1-related disorder. Also called: RYR1-related disorders; RYR1-related condition. Identifiers: MedGen CN239331.

Allele frequency attached by ClinVar (database versions not stated): gnomAD exomes 0.00002 and 0.00005; ESP Exome Variant Server 0.00008; 1000 Genomes Project 0.00020; gnomAD 0.00013; TOPMed 0.00013; 1000 Genomes Project 30x 0.00031; ExAC 0.00006.
gnomAD v4.1: 44 of 1,610,966 alleles (0.0027%); highest among the groups gnomAD compares: African/African-American, 0.032%; no homozygotes.

Submissions (5):

OLLIN Analises Genomicas, OLLIN
Classification: Uncertain significance for Malignant hyperthermia, susceptibility to, 1. Last evaluated: 2026-08-06. Review status: criteria provided, single submitter. Criteria: ACMG Guidelines 2015 PMID 25741868. Collection method: clinical testing. Allele origin: germline. Inheritance: Autosomal dominant inheritance.
Comment: This missense variant, located in exon 63 (of 106), has been reported in ClinVar (accession VCV000647844.10) and in gnomAD with an allele frequency of 0.0027%. However, to our knowledge, it has not been reported in the scientific literature. In silico analysis predicts that this variant has a tolerated effect. According to the currently available evidence, this variant has been classified as uncertain significance (BP4).

Labcorp Genetics (formerly Invitae), Labcorp
Classification: Uncertain significance for RYR1-related disorder. Last evaluated: 2025-12-15. Review status: criteria provided, single submitter. Criteria: Invitae Variant Classification Sherloc (09022015). Collection method: clinical testing. Allele origin: germline.
Comment: This sequence change replaces valine, which is neutral and non-polar, with isoleucine, which is neutral and non-polar, at codon 3156 of the RYR1 protein (p.Val3156Ile). This variant is present in population databases (rs150230127, gnomAD 0.04%). This variant has not been reported in the literature in individuals affected with RYR1-related conditions. ClinVar contains an entry for this variant (Variation ID: 647844). Invitae Evidence Modeling of protein sequence and biophysical properties (such as structural, functional, and spatial information, amino acid conservation, physicochemical variation, residue mobility, and thermodynamic stability) indicates that this missense variant is not expected to disrupt RYR1 protein function with a negative predictive value of 80%. In summary, the available evidence is currently insufficient to determine the role of this variant in disease. Therefore, it has been classified as a Variant of Uncertain Significance.

Color Diagnostics, LLC DBA Color Health
Classification: Uncertain significance for Malignant hyperthermia, susceptibility to, 1. Last evaluated: 2025-06-18. Review status: criteria provided, single submitter. Criteria: ACMG Guidelines, 2015. Collection method: clinical testing. Allele origin: germline.
Comment: This missense variant replaces valine with isoleucine at codon 3156 of the RYR1 protein. Computational prediction suggests that this variant may not impact protein structure and function. To our knowledge, functional studies have not been reported for this variant. This variant has not been reported in individuals affected with RYR1-related disorders in the literature. This variant has been identified in 17/278518 chromosomes in the general population by the Genome Aggregation Database (gnomAD). The available evidence is insufficient to determine the role of this variant in disease conclusively. Therefore, this variant is classified as a Variant of Uncertain Significance.

Fulgent Genetics
Classification: Uncertain significance for Central core myopathy; Malignant hyperthermia, susceptibility to, 1; Congenital myopathy 4A, autosomal dominant; Congenital multicore myopathy with external ophthalmoplegia; King Denborough syndrome. Last evaluated: 2021-08-19. Review status: criteria provided, single submitter. Criteria: ACMG Guidelines, 2015. Collection method: clinical testing. Allele origin: unknown.

Revvity Omics, Revvity
Classification: Uncertain significance. Last evaluated: 2021-08-17. Review status: criteria provided, single submitter. Criteria: ACMG Guidelines, 2015. Collection method: clinical testing. Allele origin: germline.